The following is an entry in ClinVar:

ClinVar aggregate classification (germline): Likely pathogenic (1 of 4 stars; one submission).

Conditions:
Dent disease type 1 (DENT1). Also called: NEPHROLITHIASIS 2; NEPHROLITHIASIS, HYPERCALCIURIC, X-LINKED. Identifiers: Orphanet 1652, Orphanet 93622, MedGen C1848336, MONDO:0010225, OMIM 300009.

Submission:

Laboratory of Cyto-molecular Genetics, Department of Anatomy, All India Institute of Medical Sciences (AIIMS), New Delhi
Classification: Likely pathogenic for Dent disease type 1. Last evaluated: 2022-02-07. Review status: criteria provided, single submitter. Criteria: ACMG Guidelines, 2015. Collection method: clinical testing. Allele origin: germline. Affected: yes. Observed: 1 variant allele.
Comment: p.(Gly127Arg); missense variant

Literature cited by the submitters: PubMed 35738466.

NM_001127898.4(CLCN5):c.379G>C (p.Gly127Arg)

Gene: CLCN5 (Cl-/H+ antiporter 5; plus strand). Cytogenetic location: Xp11.23.
Variant type: single nucleotide variant.
Coding change: c.379G>C on transcript NM_001127898.4 (MANE Select); coding-DNA position 379, G replaced by C.
Protein change: p.Gly127Arg; replaces glycine 127 with arginine.
Molecular consequence: missense variant.
Genome position (GRCh38, 1-based): chrX:50,072,552, G>C. VCF-style: chrX-50072552-G-C. GRCh37 (hg19) VCF-style: chrX-49837207-G-C.
Other names: c.169G>C, p.Gly57Arg (NM_000084.5); c.379G>C, p.Gly127Arg (NM_001127899.4); c.229G>C, p.Gly77Arg (NM_001282163.2); short protein forms G127R, G57R, G77R.
Identifiers: ClinVar variation 1339445 (VCV001339445.3), dbSNP rs782720805, ClinGen allele CA413182350.